The following is an entry in ClinVar:

NM_014963.3(SBNO2):c.3102C>T (p.Asp1034=)

Gene: SBNO2 (strawberry notch homolog 2; minus strand). Cytogenetic location: 19p13.3.
Variant type: single nucleotide variant.
Coding change: c.3102C>T on transcript NM_014963.3 (MANE Select); coding-DNA position 3102, C replaced by T.
Protein change: p.Asp1034=; no amino-acid change (aspartic acid 1034 retained).
Molecular consequence: synonymous variant.
Genome position (GRCh38, 1-based): chr19:1,109,704, G>A on the plus strand (C>T on the coding strand, the complement: SBNO2 is on the minus strand). VCF-style: chr19-1109704-G-A. GRCh37 (hg19) VCF-style: chr19-1109703-G-A.
Other names: c.2931C>T, p.Asp977= (NM_001100122.2).
Identifiers: ClinVar variation 3904988 (VCV003904988.10).

ClinVar aggregate classification (germline): Likely benign (1 of 4 stars; one submission).

gnomAD v4.1: 1,948 of 1,607,482 alleles (0.12%); highest among the groups gnomAD compares: Admixed American, 0.19%; 3 homozygotes.

Submission:

CeGaT Center for Human Genetics Tuebingen
Classification: Likely benign. Last evaluated: 2025-05-01. Review status: criteria provided, single submitter. Criteria: CeGaT Center For Human Genetics Tuebingen Variant Classification Criteria Version 2. Collection method: clinical testing. Allele origin: germline. Affected: yes. Observed: 1 variant allele.
Comment: SBNO2: BP4, BP7